The following is an entry in ClinVar:

NM_006343.3(MERTK):c.2506T>C (p.Cys836Arg)

Gene: MERTK (MER proto-oncogene, tyrosine kinase; plus strand). Cytogenetic location: 2q13.
Variant type: single nucleotide variant.
Coding change: c.2506T>C on transcript NM_006343.3 (MANE Select); coding-DNA position 2506, T replaced by C.
Protein change: p.Cys836Arg; replaces cysteine 836 with arginine.
Molecular consequence: missense variant.
Genome position (GRCh38, 1-based): chr2:112,028,370, T>C. VCF-style: chr2-112028370-T-C. GRCh37 (hg19) VCF-style: chr2-112785947-T-C.
Other names: short protein forms C836R.
Identifiers: ClinVar variation 1717569 (VCV001717569.5), dbSNP rs2466928681, ClinGen allele CA348242208.

ClinVar aggregate classification (germline): Uncertain significance (1 of 4 stars; one submission).

Submission:

Labcorp Genetics (formerly Invitae), Labcorp
Classification: Uncertain significance. Last evaluated: 2022-08-22. Review status: criteria provided, single submitter. Criteria: Invitae Variant Classification Sherloc (09022015). Collection method: clinical testing. Allele origin: germline.
Comment: This variant is not present in population databases (gnomAD no frequency). This variant has not been reported in the literature in individuals affected with MERTK-related conditions. Algorithms developed to predict the effect of missense changes on protein structure and function (SIFT, PolyPhen-2, Align-GVGD) all suggest that this variant is likely to be disruptive. In summary, the available evidence is currently insufficient to determine the role of this variant in disease. Therefore, it has been classified as a Variant of Uncertain Significance. This sequence change replaces cysteine, which is neutral and slightly polar, with arginine, which is basic and polar, at codon 836 of the MERTK protein (p.Cys836Arg).